The following is an entry in ClinVar:

ClinVar aggregate classification (germline): Pathogenic/Likely pathogenic. Review status: criteria provided, multiple submitters, no conflicts (2 of 4 stars). 3 submissions from 3 submitters: Pathogenic (1); Likely pathogenic (2). Last evaluated 2026-02-12.

Conditions:
Congenital contractures of the limbs and face, hypotonia, and developmental delay (CLIFAHDD). Identifiers: Orphanet 562528, MedGen C4225398, MONDO:0014556, OMIM 616266.
Paediatric disorders.

Submissions (3):

North West Genomic Laboratory Hub, Manchester University NHS Foundation Trust
Classification: Likely pathogenic for Paediatric disorders. Last evaluated: 2026-02-12. Review status: criteria provided, single submitter. Criteria: ACGS Best Practice Guidelines for Variant Classification in Rare Disease 2024. Collection method: clinical testing. Allele origin: germline. Affected: yes.
Comment: PP2_Supp PS4_Mod PM2_Mod PP3_Supp PS2_Mod

Laboratory of Medical Genetics, University of Torino
Classification: Pathogenic for Congenital contractures of the limbs and face, hypotonia, and developmental delay. Last evaluated: 2022-11-29. Review status: criteria provided, single submitter. Criteria: ACMG Guidelines, 2015. Collection method: research. Allele origin: germline. Affected: yes. Study: NeuroWES.

Institute of Medical Genetics and Applied Genomics, University Hospital Tübingen
Classification: Likely pathogenic. Last evaluated: 2020-10-23. Review status: criteria provided, single submitter. Criteria: ACMG Guidelines, 2015. Collection method: clinical testing. Allele origin: germline. Inheritance: Unknown mechanism. Affected: yes.

NM_052867.4(NALCN):c.3522A>T (p.Arg1174Ser)

Gene: NALCN (sodium leak channel, non-selective; minus strand). Cytogenetic location: 13q32.3.
Variant type: single nucleotide variant.
Coding change: c.3522A>T on transcript NM_052867.4 (MANE Select); coding-DNA position 3522, A replaced by T.
Protein change: p.Arg1174Ser; replaces arginine 1174 with serine.
Molecular consequence: missense variant.
Genome position (GRCh38, 1-based): chr13:101,083,772, T>A on the plus strand (A>T on the coding strand, the complement: NALCN is on the minus strand). VCF-style: chr13-101083772-T-A. GRCh37 (hg19) VCF-style: chr13-101736123-T-A.
Other names: c.3609A>T, p.Arg1203Ser (NM_001350748.2); c.3522A>T, p.Arg1174Ser (NM_001350749.2); c.3435A>T, p.Arg1145Ser (NM_001350750.2, NM_001350751.2); short protein forms R1145S, R1174S, R1203S.
Identifiers: ClinVar variation 987485 (VCV000987485.4), dbSNP rs2033787523, ClinGen allele CA388651903.